The following is an entry in ClinVar:

ClinVar aggregate classification (germline): Benign. Review status: reviewed by expert panel (3 of 4 stars). 9 submissions from 9 submitters: Benign (1). 8 of the submissions do not count toward it. Last evaluated 2022-12-01.

Conditions:
Monogenic diabetes. Identifiers: Orphanet 183625, MedGen C3888631, MONDO:0015967.
HNF1A-related disorder. Also called: HNF1A-related condition.
Maturity-onset diabetes of the young (MODY). Also called: Maturity onset diabetes mellitus in young. Identifiers: Orphanet 552, MedGen C0342276, MONDO:0018911, HP:0004904.
Maturity-onset diabetes of the young type 3. Also called: MODY type 3; MODY, type III. Identifiers: Orphanet 552, MedGen C1838100, MeSH C563933, MONDO:0010894, OMIM 600496. Disease mechanism: loss of function.
Type 2 diabetes mellitus. Also called: Type II diabetes mellitus. Identifiers: MedGen C0011860, MeSH D003924, MONDO:0005148, OMIM 125853, HP:0005978.

Allele frequency attached by ClinVar (database versions not stated): gnomAD 0.00003; gnomAD exomes 0.00011 and 0.00049; TOPMed 0.00011; ExAC 0.00044.
gnomAD v4.1: 157 of 1,613,854 alleles (0.0097%); highest among the groups gnomAD compares: Admixed American, 0.22%; 1 homozygote.

Submissions (9):

ClinGen Monogenic Diabetes Variant Curation Expert Panel
Classification: Benign for Monogenic diabetes. Last evaluated: 2022-12-01. Review status: reviewed by expert panel. Criteria: Clingen Diabetes Acmg Specifications V1 2. Collection method: curation. Allele origin: germline. Inheritance: Autosomal dominant inheritance.
Comment: The c.1522G>A variant in the HNF1 homeobox A gene, HNF1A, causes an amino acid change of glutamic acid to lysine at codon 508 (p.(Glu508Lys)) of transcript NM_000545.8. This variant has a Popmax Filtering allele frequency in gnomAD 2.1.1 of 0.002884, which is greater than the MDEP threshold for BA1 (greater than or equal to 0.0001) (BA1). This variant has been found in many unrelated individuals who do not have autoimmune or absolute/near-absolute insulin-deficient diabetes (PMID: 24915262); however, PS4 cannot be applied because the variant MAF in gnomAD is above the ClinGen MDEP PM2_Supporting. Functional studies demonstrated the p.Glu508Lys protein has transactivation activity between 40-80%, which is less severe than typical HNF1A-MODY-causing variants (below 40%) (PMID: 32910913, 27899486). In summary, this variant meets the criteria to be classified as benign for monogenic diabetes. ACMG/AMP criteria applied, as specified by the ClinGen MDEP: BA1 (specification version 1.2, approved 6/5/21). However, this variant is an established risk allele for type 2 diabetes in individuals of Mexican ancestry (PMID: 24915262). These individuals do not respond to treatment with sulfonylureas, unlike individuals with HNF1A-MODY (PMID: 29844095).

Labcorp Genetics (formerly Invitae), Labcorp
Classification: Likely benign. Last evaluated: 2025-09-22. Review status: criteria provided, single submitter. Criteria: Invitae Variant Classification Sherloc (09022015). Collection method: clinical testing. Allele origin: germline. Not counted in ClinVar's aggregate classification.

Ambry Genetics
Classification: Likely benign for Maturity-onset diabetes of the young. Last evaluated: 2024-03-27. Review status: criteria provided, single submitter. Criteria: Ambry Variant Classification Scheme 2023. Collection method: clinical testing. Allele origin: germline. Not counted in ClinVar's aggregate classification.

Women's Health and Genetics/Laboratory Corporation of America, LabCorp
Classification: Likely benign. Last evaluated: 2023-01-31. Review status: criteria provided, single submitter. Criteria: LabCorp Variant Classification Summary - May 2015. Collection method: clinical testing. Allele origin: germline. Not counted in ClinVar's aggregate classification.
Comment: Variant summary: HNF1A c.1522G>A (p.Glu508Lys) results in a conservative amino acid change located in the Hepatocyte nuclear factor 1, beta isoform, C-terminal domain (IPR006897) of the encoded protein sequence. Four of five in-silico tools predict a damaging effect of the variant on protein function. The variant allele was found at a frequency of 0.00048 in 251600 control chromosomes in the gnomAD database, including 1 homozygote. The observed variant frequency is approximately 19 fold of the estimated maximal expected allele frequency for a pathogenic variant in HNF1A causing Maturity Onset Diabetes Of The Young 3 phenotype (2.5e-05), strongly suggesting that the variant is benign. c.1522G>A has been reported in the literature as a non-significant risk factor in association with Type 2 diabetes (95% CI overlaps 1) (example, Estrada_2014). These report(s) do not provide unequivocal conclusions about association of the variant with Maturity Onset Diabetes Of The Young 3. Four clinical diagnostic laboratories and an expert panel (ClinGen Monogenic Diabetes Variant Curation Expert Panel) have submitted clinical-significance assessments for this variant to ClinVar after 2014. Multiple submitters reported the variant with conflicting assessments (B/LB, n=3 including the expert panel; VUS, n=2). Based on the evidence outlined above, the variant was classified as likely benign.

Blueprint Genetics
Classification: Likely benign. Last evaluated: 2021-04-26. Review status: criteria provided, single submitter. Criteria: ACMG Guidelines, 2015. Collection method: clinical testing. Allele origin: germline. Not counted in ClinVar's aggregate classification.

Athena Diagnostics
Classification: Likely benign. Last evaluated: 2021-03-19. Review status: criteria provided, single submitter. Criteria: Athena Diagnostics criteria. Collection method: clinical testing. Allele origin: unknown. Not counted in ClinVar's aggregate classification.

Mendelics
Classification: Uncertain significance for Maturity-onset diabetes of the young type 3. Last evaluated: 2019-05-28. Review status: criteria provided, single submitter. Criteria: Mendelics Assertion Criteria 2017. Collection method: clinical testing. Allele origin: unknown. Not counted in ClinVar's aggregate classification.

PreventionGenetics, part of Exact Sciences
Classification: Likely benign for HNF1A-related condition. Last evaluated: 2021-05-27. Review status: no assertion criteria provided. Collection method: clinical testing. Allele origin: germline. Not counted in ClinVar's aggregate classification.
Comment: This variant is classified as likely benign based on ACMG/AMP sequence variant interpretation guidelines (Richards et al. 2015 PMID: 25741868, with internal and published modifications).

SNPedia
No classification provided. Condition: Diabetes mellitus type 2. Review status: no classification provided. Collection method: not provided. Allele origin: germline. Not counted in ClinVar's aggregate classification.

Literature cited by the submitters: PubMed 18003757 (cited by 3 submitters); PubMed 20705777 (cited by Ambry Genetics and Athena Diagnostics); PubMed 24097065 (cited by Ambry Genetics and Athena Diagnostics); PubMed 24915262 (cited by 3 submitters); PubMed 25555642 (cited by Ambry Genetics and Athena Diagnostics); PubMed 26431509 (cited by Ambry Genetics and Athena Diagnostics); PubMed 27899486 (cited by Ambry Genetics and Athena Diagnostics); PubMed 32910913 (cited by Ambry Genetics); PubMed 33477506 (cited by Ambry Genetics); PubMed 33651556 (cited by Athena Diagnostics); PubMed 31566143 (cited by Athena Diagnostics); PubMed 31968565 (cited by Athena Diagnostics); PubMed 29844095 (cited by Athena Diagnostics); PubMed 31844173 (cited by Athena Diagnostics); PubMed 31385057 (cited by Athena Diagnostics); PubMed 26059258 (cited by Athena Diagnostics); PubMed 29376044 (cited by Athena Diagnostics); PubMed 27458973 (cited by Athena Diagnostics).

NM_000545.8(HNF1A):c.1522G>A (p.Glu508Lys)

Gene: HNF1A (HNF1 homeobox A; plus strand). Cytogenetic location: 12q24.31.
Variant type: single nucleotide variant.
Coding change: c.1522G>A on transcript NM_000545.8 (MANE Select); coding-DNA position 1522, G replaced by A.
Protein change: p.Glu508Lys; replaces glutamic acid 508 with lysine.
Molecular consequence: missense variant.
Genome position (GRCh38, 1-based): chr12:120,999,288, G>A. VCF-style: chr12-120999288-G-A. GRCh37 (hg19) VCF-style: chr12-121437091-G-A.
Other names: NM_000545.8(HNF1A):c.1522G>A; p.Glu508Lys; c.1522G>A, p.Glu508Lys (NM_001306179.2); c.1522G>A (NM_000545.6); short protein forms E508K.
Identifiers: ClinVar variation 135665 (VCV000135665.33), dbSNP rs483353044, ClinGen allele CA289173.
Genomic context (GRCh38, chr12:120,999,288, plus strand): 5'-GCACGTCTGCCACGTCTGCCCCTCTCTCCCCTGCGGCCAGCCCTCTACAGCCACAAGCCC[G>A]AGGTGGCCCAGTACACCCACACGGGCCTGCTCCCGCAGACTATGCTCATCACCGACACCA-3'
Protein context (NP_000536.6, residues 498-518): SPHALYSHKP[Glu508Lys]VAQYTHTGLL